The following is an entry in ClinVar:

NM_000465.4(BARD1):c.1972C>T (p.Arg658Cys)

Gene: BARD1 (BRCA1 associated RING domain 1; minus strand). Cytogenetic location: 2q35.
Variant type: single nucleotide variant.
Coding change: c.1972C>T on transcript NM_000465.4 (MANE Select); coding-DNA position 1972, C replaced by T.
Protein change: p.Arg658Cys; replaces arginine 658 with cysteine.
Molecular consequence: missense variant. On other transcripts: non-coding transcript variant (3).
Genome position (GRCh38, 1-based): chr2:214,730,440, G>A on the plus strand (C>T on the coding strand, the complement: BARD1 is on the minus strand). VCF-style: chr2-214730440-G-A. GRCh37 (hg19) VCF-style: chr2-215595164-G-A.
Other names: p.R658C:CGC>TGC; NP_000456.2:p.Arg658Cys; c.1915C>T, p.Arg639Cys (NM_001282543.2); c.619C>T, p.Arg207Cys (NM_001282545.2); c.562C>T, p.Arg188Cys (NM_001282548.2); c.433C>T, p.Arg145Cys (NM_001282549.2); short protein forms R658C, R639C, R145C, R188C, R207C.
Identifiers: ClinVar variation 136500 (VCV000136500.98), dbSNP rs3738888, ClinGen allele CA294267.

ClinVar aggregate classification (germline): Benign/Likely benign. Review status: criteria provided, multiple submitters, no conflicts (2 of 4 stars). 23 submissions from 23 submitters: Benign (13); Likely benign (6). 4 of the submissions do not count toward it. Last evaluated 2026-09-01.

Conditions:
Hereditary cancer. Identifiers: MedGen C1333600.
Hereditary cancer-predisposing syndrome. Also called: Neoplastic Syndromes, Hereditary; Tumor predisposition; Hereditary neoplastic syndrome; Hereditary Cancer Syndrome. Identifiers: Orphanet 140162, MedGen C0027672, MeSH D009386, MONDO:0015356.
Hereditary breast ovarian cancer syndrome. Also called: Breast and ovarian cancer; BRCA1- and BRCA2-Associated Hereditary Breast and Ovarian Cancer; Hereditary breast and/or ovarian cancer syndrome; Hereditary breast and ovarian cancer syndrome; Hereditary breast and ovarian cancer; Hereditary breast and ovarian cancer syndrome (HBOC). Identifiers: Orphanet 145, MedGen C0677776, MeSH D061325, MONDO:0003582. Disease mechanism: loss of function.
Familial cancer of breast. Also called: Hereditary breast cancer; hereditary breast carcinoma; BREAST CANCER, FAMILIAL. Identifiers: Orphanet 227535, MedGen C0346153, MONDO:0016419, OMIM 114480. Disease mechanism: loss of function.
Triple-Negative Breast Cancer Finding. Identifiers: MedGen C2348819.
Malignant tumor of breast. Also called: Malignant breast neoplasm; Cancer breast. Identifiers: MedGen C0006142, MONDO:0007254. Disease mechanism: loss of function.

Allele frequency attached by ClinVar (database versions not stated): 1000 Genomes Project 30x 0.00484; 1000 Genomes Project 0.00539; ESP Exome Variant Server 0.00592; gnomAD 0.00668 and 0.00736; TOPMed 0.00749; ExAC 0.00793; gnomAD exomes 0.00843 and 0.00876.
gnomAD v4.1: 13,795 of 1,613,728 alleles (0.85%); highest among the groups gnomAD compares: East Asian, 1%; 69 homozygotes.

Submissions 1 to 22 of 23:

CeGaT Center for Human Genetics Tuebingen
Classification: Benign. Last evaluated: 2026-09-01. Review status: criteria provided, single submitter. Criteria: CeGaT Center For Human Genetics Tuebingen Variant Classification Criteria Version 2. Collection method: clinical testing. Allele origin: germline. Affected: yes. Observed: 57 variant alleles.
Comment: BARD1: BP4, BS1, BS2

Labcorp Genetics (formerly Invitae), Labcorp
Classification: Benign for Familial cancer of breast. Last evaluated: 2026-02-04. Review status: criteria provided, single submitter. Criteria: Invitae Variant Classification Sherloc (09022015). Collection method: clinical testing. Allele origin: germline.

Dasa
Classification: Likely benign. Last evaluated: 2025-11-18. Review status: criteria provided, single submitter. Criteria: DASA Assertion Criteria. Collection method: clinical testing. Allele origin: germline.
Comment: NM_000465.4(BARD1):c.1972C>T (p.Arg658Cys) is a missense variant that results in the substitution of arginine with cysteine. Population frequency is inconsistent with a disease-causing role for this variant, and observations in unaffected individuals support a benign interpretation. Computational prediction algorithms are consistent with a benign effect. Therefore, based on the currently available evidence, this variant is classified as likely benign.

Quest Diagnostics Nichols Institute San Juan Capistrano
Classification: Benign. Last evaluated: 2025-10-08. Review status: criteria provided, single submitter. Criteria: Quest Diagnostics criteria. Collection method: clinical testing. Allele origin: unknown.

Center for Genomic Medicine, Rigshospitalet, Copenhagen University Hospital
Classification: Likely benign. Last evaluated: 2025-03-04. Review status: criteria provided, single submitter. Criteria: ACMG Guidelines, 2015. Collection method: clinical testing. Allele origin: germline.

ARUP Laboratories, Molecular Genetics and Genomics, ARUP Laboratories
Classification: Benign for Familial cancer of breast. Last evaluated: 2025-02-24. Review status: criteria provided, single submitter. Criteria: ARUP Molecular Germline Variant Investigation Process 2024. Collection method: clinical testing. Allele origin: germline.

Blueprint Genetics
Classification: Likely benign. Last evaluated: 2024-11-23. Review status: criteria provided, single submitter. Criteria: ACMG Guidelines, 2015. Collection method: clinical testing. Allele origin: germline.

Mendelics
Classification: Likely benign for Hereditary cancer. Last evaluated: 2024-01-23. Review status: criteria provided, single submitter. Criteria: ACMG Guidelines, 2015. Collection method: clinical testing. Allele origin: unknown.

KCCC/NGS Laboratory, Kuwait Cancer Control Center
Classification: Benign for Familial cancer of breast. Last evaluated: 2023-07-07. Review status: criteria provided, single submitter. Criteria: ACMG Guidelines, 2015. Collection method: clinical testing. Allele origin: germline. Affected: yes.

Myriad Genetics, Inc.
Classification: Benign for Familial cancer of breast. Last evaluated: 2023-02-24. Review status: criteria provided, single submitter. Criteria: Myriad Autosomal Dominant, Autosomal Recessive and X-Linked Classification Criteria (2023). Collection method: clinical testing. Allele origin: unknown.
Comment: This variant is considered benign. This variant has been observed at a population frequency that is significantly greater than expected given the associated disease prevalence and penetrance. This variant is strongly associated with less severe personal and family histories of cancer, typical for individuals without pathogenic variants in this gene [PMID: 25085752].

Mayo Clinic Laboratories, Mayo Clinic
Classification: Benign. Last evaluated: 2022-11-04. Review status: criteria provided, single submitter. Criteria: ACMG Guidelines, 2015. Collection method: clinical testing. Allele origin: germline. Observed: 21 variant alleles.
Comment: BS1, BS3, BP4

National Health Laboratory Service, Universitas Academic Hospital and University of the Free State
Classification: Likely benign for Hereditary breast ovarian cancer syndrome. Last evaluated: 2022-04-19. Review status: criteria provided, single submitter. Criteria: ACMG Guidelines, 2015. Collection method: clinical testing. Allele origin: germline. Affected: yes. Observed: 2 variant alleles.

Color Diagnostics, LLC DBA Color Health
Classification: Benign for Hereditary cancer-predisposing syndrome. Last evaluated: 2022-01-02. Review status: criteria provided, single submitter. Criteria: ACMG Guidelines, 2015. Collection method: clinical testing. Allele origin: germline.

Sema4
Classification: Benign for Hereditary cancer-predisposing syndrome. Last evaluated: 2021-05-30. Review status: criteria provided, single submitter. Criteria: Sema4 Curation Guidelines. Collection method: curation. Allele origin: germline.

Genetic Services Laboratory, University of Chicago
Classification: Benign. Last evaluated: 2020-05-27. Review status: criteria provided, single submitter. Criteria: ACMG Guidelines, 2015. Collection method: clinical testing. Allele origin: germline. Affected: no.

Illumina Laboratory Services, Illumina
Classification: Likely benign for Familial cancer of breast. Last evaluated: 2017-04-27. Review status: criteria provided, single submitter. Criteria: ICSL Variant Classification Criteria 13 December 2019. Collection method: clinical testing. Allele origin: germline.
Comment: This variant was observed as part of a predisposition screen in an ostensibly healthy population. A literature search was performed for the gene, cDNA change, and amino acid change (where applicable). Publications were found based on this search. The evidence from the literature, in combination with allele frequency data from public databases where available, was sufficient to determine this variant is unlikely to cause disease. Therefore, this variant is classified as likely benign.

PreventionGenetics, part of Exact Sciences
Classification: Benign. Last evaluated: 2016-11-22. Review status: criteria provided, single submitter. Criteria: ACMG Guidelines, 2015. Collection method: clinical testing. Allele origin: germline.

Ambry Genetics
Classification: Benign for Hereditary cancer-predisposing syndrome. Last evaluated: 2014-06-26. Review status: criteria provided, single submitter. Criteria: Ambry Variant Classification Scheme 2023. Collection method: clinical testing. Allele origin: germline.

GeneDx
Classification: Benign. Last evaluated: 2013-10-14. Review status: criteria provided, single submitter. Criteria: GeneDx Variant Classification (06012015). Collection method: clinical testing. Allele origin: germline. Affected: yes.
Comment: This variant is considered likely benign or benign based on one or more of the following criteria: it is a conservative change, it occurs at a poorly conserved position in the protein, it is predicted to be benign by multiple in silico algorithms, and/or has population frequency not consistent with disease.

Institute for Biomarker Research, Medical Diagnostic Laboratories, L.L.C.
Classification: Likely benign for Hereditary cancer-predisposing syndrome. Last evaluated: 2021-09-27. Review status: no assertion criteria provided. Collection method: clinical testing. Allele origin: germline. Not counted in ClinVar's aggregate classification.

Counsyl
Classification: Likely benign for Familial cancer of breast. Last evaluated: 2016-06-03. Review status: no assertion criteria provided. Collection method: clinical testing. Allele origin: unknown. Not counted in ClinVar's aggregate classification.

Lab. Molecular Oncology, VUB, Free University of Brussels
Classification: Uncertain significance for Triple-Negative Breast Cancer Finding. Last evaluated: 2015-02-01. Review status: no assertion criteria provided. Collection method: clinical testing. Allele origin: germline. Affected: yes. Not counted in ClinVar's aggregate classification.